The following is an entry in ClinVar:

ClinVar aggregate classification (germline): Uncertain significance. Review status: criteria provided, multiple submitters, no conflicts (2 of 4 stars). 2 submissions from 2 submitters: Uncertain significance (2). Last evaluated 2024-05-08.

Conditions:
Hereditary cancer-predisposing syndrome. Also called: Hereditary Cancer Syndrome; Hereditary neoplastic syndrome; Neoplastic Syndromes, Hereditary; Tumor predisposition. Identifiers: Orphanet 140162, MedGen C0027672, MeSH D009386, MONDO:0015356.
Familial cancer of breast. Also called: BREAST CANCER, FAMILIAL; hereditary breast carcinoma; Hereditary breast cancer. Identifiers: Orphanet 227535, MedGen C0346153, MONDO:0016419, OMIM 114480. Disease mechanism: loss of function.

Submissions (2):

Labcorp Genetics (formerly Invitae), Labcorp
Classification: Uncertain significance for Familial cancer of breast. Last evaluated: 2024-05-08. Review status: criteria provided, single submitter. Criteria: Invitae Variant Classification Sherloc (09022015). Collection method: clinical testing. Allele origin: germline.
Comment: This sequence change replaces asparagine, which is neutral and polar, with threonine, which is neutral and polar, at codon 186 of the CHEK2 protein (p.Asn186Thr). This variant is not present in population databases (gnomAD no frequency). This variant has not been reported in the literature in individuals affected with CHEK2-related conditions. ClinVar contains an entry for this variant (Variation ID: 1748404). An algorithm developed to predict the effect of missense changes on protein structure and function (PolyPhen-2) suggests that this variant is likely to be disruptive. In summary, the available evidence is currently insufficient to determine the role of this variant in disease. Therefore, it has been classified as a Variant of Uncertain Significance.

Ambry Genetics
Classification: Uncertain significance for Hereditary cancer-predisposing syndrome. Last evaluated: 2022-03-08. Review status: criteria provided, single submitter. Criteria: Ambry Variant Classification Scheme 2023. Collection method: clinical testing. Allele origin: germline.
Comment: The p.N186T variant (also known as c.557A>C), located in coding exon 3 of the CHEK2 gene, results from an A to C substitution at nucleotide position 557. The asparagine at codon 186 is replaced by threonine, an amino acid with similar properties. This alteration was not observed in 7,051 unselected female breast cancer patients and was observed with an allele frequency of 0.00018 in 11,241 female controls of Japanese ancestry (Momozawa Y et al. Nat Commun, 2018 10;9:4083). This amino acid position is highly conserved in available vertebrate species. In addition, the in silico prediction for this alteration is inconclusive. Since supporting evidence is limited at this time, the clinical significance of this alteration remains unclear.

Literature cited by the submitters: PubMed 30287823 (cited by Ambry Genetics).

NM_007194.4(CHEK2):c.557A>C (p.Asn186Thr)

Gene: CHEK2 (checkpoint kinase 2; minus strand). Cytogenetic location: 22q12.1.
Variant type: single nucleotide variant.
Coding change: c.557A>C on transcript NM_007194.4 (MANE Select); coding-DNA position 557, A replaced by C.
Protein change: p.Asn186Thr; replaces asparagine 186 with threonine.
Molecular consequence: missense variant. On other transcripts: 5 prime UTR variant (2), intron variant (1).
Genome position (GRCh38, 1-based): chr22:28,725,012, T>G on the plus strand (A>C on the coding strand, the complement: CHEK2 is on the minus strand). VCF-style: chr22-28725012-T-G. GRCh37 (hg19) VCF-style: chr22-29121000-T-G.
Other names: c.686A>C, p.Asn229Thr (NM_001005735.3, NM_001438294.1); c.-221A>C (NM_001257387.3); c.-107A>C (NM_001437942.1); c.650A>C, p.Asn217Thr (NM_001438293.1, NM_001438295.1); c.557A>C, p.Asn186Thr (NM_145862.3); c.445-89A>C (NM_001349956.3); short protein forms N229T, N186T, N217T.
Identifiers: ClinVar variation 1748404 (VCV001748404.5), dbSNP rs369223840, ClinGen allele CA411107138.